The following is an entry in ClinVar:

ClinVar aggregate classification (germline): Uncertain significance (1 of 4 stars; one submission).

Conditions:
Frontotemporal dementia and/or amyotrophic lateral sclerosis 1 (FTDALS1). Also called: Frontotemporal dementia with motor neuron disease 1; C9orf72 Frontotemporal Dementia and/or Amyotrophic Lateral Sclerosis. Identifiers: Orphanet 275872, MedGen C5779877, MONDO:0007105, OMIM 105550.
Paget disease of bone 2, early-onset (PDB2). Also called: Paget disease of bone 2. Identifiers: MedGen C4085251, MONDO:0011183, OMIM 602080.

Allele frequency attached by ClinVar (database versions not stated): gnomAD exomes below 0.00001.
gnomAD v4.1: 3 of 1,565,278 alleles (0.00019%); highest among the groups gnomAD compares: African/African-American, 0.0014%; no homozygotes.

Submission:

Labcorp Genetics (formerly Invitae), Labcorp
Classification: Uncertain significance for Paget disease of bone 2, early-onset; Frontotemporal dementia and/or amyotrophic lateral sclerosis 1. Last evaluated: 2019-05-10. Review status: criteria provided, single submitter. Criteria: Invitae Variant Classification Sherloc (09022015). Collection method: clinical testing. Allele origin: germline.
Comment: In summary, this variant is a novel missense change with uncertain impact on protein function. It has been classified as a Variant of Uncertain Significance. Algorithms developed to predict the effect of missense changes on protein structure and function do not agree on the potential impact of this missense change (SIFT: "Tolerated"; PolyPhen-2: "Possibly Damaging"; Align-GVGD: "Class C0"). This variant is not present in population databases (ExAC no frequency) and has not been reported in the literature in individuals with an SQSTM1-related disease. This sequence change replaces proline with arginine at codon 29 of the SQSTM1 protein (p.Pro29Arg). The proline residue is weakly conserved and there is a moderate physicochemical difference between proline and arginine.

NM_003900.5(SQSTM1):c.86C>G (p.Pro29Arg)

Gene: SQSTM1 (sequestosome 1; plus strand). Cytogenetic location: 5q35.3.
Variant type: single nucleotide variant.
Coding change: c.86C>G on transcript NM_003900.5 (MANE Select); coding-DNA position 86, C replaced by G.
Protein change: p.Pro29Arg; replaces proline 29 with arginine.
Molecular consequence: missense variant. On other transcripts: intron variant (2).
Genome position (GRCh38, 1-based): chr5:179,821,022, C>G. VCF-style: chr5-179821022-C-G. GRCh37 (hg19) VCF-style: chr5-179248022-C-G.
Other names: c.-47-1936C>G (NM_001142298.2, NM_001142299.2); short protein forms P29R.
Identifiers: ClinVar variation 475407 (VCV000475407.10), dbSNP rs1012113887, ClinGen allele CA133094938.